The following is an entry in ClinVar:

ClinVar aggregate classification (germline): Uncertain significance (1 of 4 stars; one submission).

Conditions:
Dilated cardiomyopathy 1O (CMD1O). Also called: CARDIOMYOPATHY, DILATED, WITH VENTRICULAR TACHYCARDIA. Identifiers: Orphanet 154, MedGen C1837839, MONDO:0012062, OMIM 608569.

Submission:

Labcorp Genetics (formerly Invitae), Labcorp
Classification: Uncertain significance for Dilated cardiomyopathy 1O. Last evaluated: 2022-04-25. Review status: criteria provided, single submitter. Criteria: Invitae Variant Classification Sherloc (09022015). Collection method: clinical testing. Allele origin: germline.
Comment: In summary, the available evidence is currently insufficient to determine the role of this variant in disease. Therefore, it has been classified as a Variant of Uncertain Significance. Algorithms developed to predict the effect of sequence changes on RNA splicing suggest that this variant is not likely to affect RNA splicing. This variant has not been reported in the literature in individuals affected with ABCC9-related conditions. This variant is not present in population databases (gnomAD no frequency). This sequence change affects codon 1189 of the ABCC9 mRNA. It is a 'silent' change, meaning that it does not change the encoded amino acid sequence of the ABCC9 protein. It affects a nucleotide within the consensus splice site.

NM_020297.4(ABCC9):c.3567G>A (p.Arg1189=)

Genes: ABCC9 (ATP binding cassette subfamily C member 9; minus strand), KCNJ8-AS1 (KCNJ8 antisense RNA 1; plus strand). Cytogenetic location: 12p12.1.
Variant type: single nucleotide variant.
Coding change: c.3567G>A on transcript NM_020297.4 (MANE Select); coding-DNA position 3567, G replaced by A.
Protein change: p.Arg1189=; no amino-acid change (arginine 1189 retained).
Molecular consequence: synonymous variant.
Genome position (GRCh38, 1-based): chr12:21,829,060, C>T on the plus strand (G>A on the coding strand, the complement: ABCC9 is on the minus strand). VCF-style: chr12-21829060-C-T. GRCh37 (hg19) VCF-style: chr12-21981994-C-T.
Other names: c.3567G>A, p.Arg1189= (NM_001377273.1, NM_005691.4); c.2700G>A, p.Arg900= (NM_001377274.1).
Identifiers: ClinVar variation 2130503 (VCV002130503.4), dbSNP rs2540964871, ClinGen allele CA478873070.
Genomic context (GRCh38, chr12:21,829,060, plus strand): 5'-GTAGGCAATGTTGTTTGTATCCGTCAGTTCCAGCATACGTTGTTTAAATCTGGTTTCATG[C>T]CTGCAGAAAACAAAAACACGATGTTAACCACACAACAGGAGAGGTAATAAGAAACAGTCA-3'
Protein context (NP_064693.2, residues 1179-1199): AEGLTTIRAF[Arg1189=]HETRFKQRML